The following is an entry in ClinVar:

NM_003491.4(NAA10):c.287G>A (p.Arg96Gln)

Gene: NAA10 (N-alpha-acetyltransferase 10, NatA catalytic subunit; minus strand). Cytogenetic location: Xq28.
Variant type: single nucleotide variant.
Coding change: c.287G>A on transcript NM_003491.4 (MANE Select); coding-DNA position 287, G replaced by A.
Protein change: p.Arg96Gln; replaces arginine 96 with glutamine.
Molecular consequence: missense variant.
Genome position (GRCh38, 1-based): chrX:153,932,370, C>T on the plus strand (G>A on the coding strand, the complement: NAA10 is on the minus strand). VCF-style: chrX-153932370-C-T. GRCh37 (hg19) VCF-style: chrX-153197823-C-T.
Other names: c.287G>A, p.Arg96Gln (NM_001256119.2); c.269G>A, p.Arg90Gln (NM_001256120.2); c.287G>A (NM_003491.2); short protein forms R90Q, R96Q.
Identifiers: ClinVar variation 3063883 (VCV003063883.3), dbSNP rs782483831, ClinGen allele CA10556197.

ClinVar aggregate classification (germline): Conflicting classifications of pathogenicity. Review status: criteria provided, conflicting classifications (1 of 4 stars). 3 submissions from 3 submitters: Uncertain significance (2); Likely benign (1). Last evaluated 2026-05-06.

Conditions:
Inborn genetic diseases. Identifiers: MedGen C0950123, MeSH D030342.

Allele frequency attached by ClinVar (database versions not stated): ExAC 0.00004; gnomAD exomes below 0.00001; TOPMed 0.00001.
gnomAD v4.1: 2 of 1,211,609 alleles (0.00017%); highest among the groups gnomAD compares: South Asian, 0.0018%; no homozygotes.

Submissions (3):

Ambry Genetics
Classification: Likely benign for Inborn genetic diseases. Last evaluated: 2026-05-06. Review status: criteria provided, single submitter. Criteria: Ambry Variant Classification Scheme 2023. Collection method: clinical testing. Allele origin: germline.

Labcorp Genetics (formerly Invitae), Labcorp
Classification: Uncertain significance. Last evaluated: 2025-06-22. Review status: criteria provided, single submitter. Criteria: Invitae Variant Classification Sherloc (09022015). Collection method: clinical testing. Allele origin: germline.
Comment: This sequence change replaces arginine, which is basic and polar, with glutamine, which is neutral and polar, at codon 96 of the NAA10 protein (p.Arg96Gln). This variant is present in population databases (rs782483831, gnomAD 0.02%), including at least one homozygous and/or hemizygous individual. This variant has not been reported in the literature in individuals affected with NAA10-related conditions. ClinVar contains an entry for this variant (Variation ID: 3063883). An algorithm developed to predict the effect of missense changes on protein structure and function (PolyPhen-2) suggests that this variant is likely to be tolerated. In summary, the available evidence is currently insufficient to determine the role of this variant in disease. Therefore, it has been classified as a Variant of Uncertain Significance.

Women's Health and Genetics/Laboratory Corporation of America, LabCorp
Classification: Uncertain significance. Last evaluated: 2024-01-12. Review status: criteria provided, single submitter. Criteria: LabCorp Variant Classification Summary - May 2015. Collection method: clinical testing. Allele origin: germline.
Comment: Variant summary: NAA10 c.287G>A (p.Arg96Gln) results in a conservative amino acid change located in the GNAT domain (IPR000182) of the encoded protein sequence. Four of five in-silico tools predict a benign effect of the variant on protein function. The variant allele was found at a frequency of 1.1e-05 in 183145 control chromosomes including one hemizygote. The available data on variant occurrences in the general population are insufficient to allow any conclusion about variant significance. To our knowledge, no occurrence of c.287G>A in individuals affected with NAA10-Related Disorders and no experimental evidence demonstrating its impact on protein function have been reported. No submitters have cited clinical-significance assessments for this variant to ClinVar. Based on the evidence outlined above, the variant was classified as uncertain significance.